The following is an entry in ClinVar:

ClinVar aggregate classification (germline): Pathogenic (1 of 4 stars; one submission).

Conditions:
Osteogenesis imperfecta type III (OI3). Also called: Progressively Deforming Osteogenesis Imperfecta; Osteogenesis imperfecta type 3; OI type 3; Osteogenesis imperfecta, progressively deforming with normal sclerae; OI type III. Identifiers: Orphanet 216812, Orphanet 666, MedGen C0268362, MONDO:0009804, OMIM 259420.

Submissions (2):

Clinical Biomedical Laboratory, Shriners Hospital For Children - Canada
Classification: Pathogenic for Osteogenesis imperfecta type III. Last evaluated: 2025-05-12. Review status: criteria provided, single submitter. Criteria: ACMG Guidelines, 2015. Collection method: clinical testing. Allele origin: germline. Affected: yes.
Comment: This variant is predicted to disrupt a canonical splice site. This variant is absent in the Genome Aggregation Database (v2.1.1.). Splice AI prediction (1.00) suggests an acceptor loss at a canonical site.

Dr. Peter K. Rogan Lab, Western University
No classification provided (evidence only). Condition: Ovarian serous cystadenocarcinoma. Review status: no classification provided. Collection method: in vitro. Allele origin: not applicable. Functional consequence: retained intron. Not counted in ClinVar's aggregate classification.

NM_000088.4(COL1A1):c.3370-2A>C

Gene: COL1A1 (collagen type I alpha 1 chain; minus strand). Cytogenetic location: 17q21.33.
Variant type: single nucleotide variant.
Coding change: c.3370-2A>C on transcript NM_000088.4 (MANE Select); the canonical splice acceptor site of the intron before coding-DNA position 3370, A replaced by C.
Molecular consequence: splice acceptor variant.
Genome position (GRCh38, 1-based): chr17:50,187,539, T>G on the plus strand (A>C on the coding strand, the complement: COL1A1 is on the minus strand). VCF-style: chr17-50187539-T-G. GRCh37 (hg19) VCF-style: chr17-48264900-T-G.
Other names: NC_000017.10:g.48264900T>G.
Identifiers: ClinVar variation 3900699 (VCV003900699.2).